The following is an entry in ClinVar:

NM_002677.5(PMP2):c.179A>T (p.Asn60Ile)

Gene: PMP2 (peripheral myelin protein 2; minus strand). Cytogenetic location: 8q21.13.
Variant type: single nucleotide variant.
Coding change: c.179A>T on transcript NM_002677.5 (MANE Select); coding-DNA position 179, A replaced by T.
Protein change: p.Asn60Ile; replaces asparagine 60 with isoleucine.
Molecular consequence: missense variant. On other transcripts: intron variant (1).
Genome position (GRCh38, 1-based): chr8:81,444,884, T>A on the plus strand (A>T on the coding strand, the complement: PMP2 is on the minus strand). VCF-style: chr8-81444884-T-A. GRCh37 (hg19) VCF-style: chr8-82357119-T-A.
Other names: p.Asn60Ile; c.74-283A>T (NM_001348381.2); short protein forms N60I.
Identifiers: ClinVar variation 769341 (VCV000769341.14), dbSNP rs76057946, ClinGen allele CA4791965.

ClinVar aggregate classification (germline): Benign. Review status: criteria provided, multiple submitters, no conflicts (2 of 4 stars). 4 submissions from 4 submitters: Benign (3). 1 of the submissions does not count toward it. Last evaluated 2026-01-29.

Conditions:
PMP2-related disorder. Also called: PMP2-related condition.

Allele frequency attached by ClinVar (database versions not stated): ESP Exome Variant Server 0.00900; 1000 Genomes Project 30x 0.00921; TOPMed 0.00921; 1000 Genomes Project 0.00859.
gnomAD v4.1: 2,704 of 1,613,632 alleles (0.17%); highest among the groups gnomAD compares: African/African-American, 3.1%; 48 homozygotes.

Submissions (4):

Labcorp Genetics (formerly Invitae), Labcorp
Classification: Benign. Last evaluated: 2026-01-29. Review status: criteria provided, single submitter. Criteria: Invitae Variant Classification Sherloc (09022015). Collection method: clinical testing. Allele origin: germline.

Mayo Clinic Laboratories, Mayo Clinic
Classification: Benign. Last evaluated: 2023-06-16. Review status: criteria provided, single submitter. Criteria: ACMG Guidelines, 2015. Collection method: clinical testing. Allele origin: germline. Observed: 7 variant alleles.
Comment: BS1, BS2, BP4

Breakthrough Genomics
Classification: Benign. Review status: criteria provided, single submitter. Criteria: ACMG Guidelines, 2015. Collection method: not provided. Allele origin: germline. Inheritance: Autosomal dominant inheritance. Affected: yes.

PreventionGenetics, part of Exact Sciences
Classification: Benign for PMP2-related condition. Last evaluated: 2019-06-03. Review status: no assertion criteria provided. Collection method: clinical testing. Allele origin: germline. Not counted in ClinVar's aggregate classification.
Comment: This variant is classified as benign based on ACMG/AMP sequence variant interpretation guidelines (Richards et al. 2015 PMID: 25741868, with internal and published modifications).